The following is an entry in ClinVar:

ClinVar aggregate classification (germline): Uncertain significance. Review status: criteria provided, multiple submitters, no conflicts (2 of 4 stars). 2 submissions from 2 submitters: Uncertain significance (2). Last evaluated 2024-04-04.

Conditions:
Inborn genetic diseases. Identifiers: MedGen C0950123, MeSH D030342.
Bartter disease type 2. Also called: HYPOKALEMIC ALKALOSIS WITH HYPERCALCIURIA 2, ANTENATAL; HYPERPROSTAGLANDIN E SYNDROME 2; Bartter syndrome, type 2, antenatal. Identifiers: Orphanet 112, Orphanet 620220, MedGen C1855849, MONDO:0009424, OMIM 241200.

Allele frequency attached by ClinVar (database versions not stated): gnomAD exomes below 0.00001; TOPMed below 0.00001.
gnomAD v4.1: 3 of 1,614,166 alleles (0.00019%); highest among the groups gnomAD compares: Admixed American, 0.0017%; no homozygotes.

Submissions (2):

Fulgent Genetics
Classification: Uncertain significance for Bartter disease type 2. Last evaluated: 2024-04-04. Review status: criteria provided, single submitter. Criteria: ACMG Guidelines, 2015. Collection method: clinical testing. Allele origin: germline.

Ambry Genetics
Classification: Uncertain significance for Inborn genetic diseases. Last evaluated: 2020-12-15. Review status: criteria provided, single submitter. Criteria: Ambry Variant Classification Scheme 2023. Collection method: clinical testing. Allele origin: germline.
Comment: The c.506T>C (p.I169T) alteration is located in exon 2 (coding exon 2) of the KCNJ1 gene. This alteration results from a T to C substitution at nucleotide position 506, causing the isoleucine (I) at amino acid position 169 to be replaced by a threonine (T). The in silico prediction for the p.I169T alteration is inconclusive. Based on insufficient or conflicting evidence, the clinical significance of this alteration remains unclear.

NM_153766.3(KCNJ1):c.449T>C (p.Ile150Thr)

Gene: KCNJ1 (potassium inwardly rectifying channel subfamily J member 1; minus strand). Cytogenetic location: 11q24.3.
Variant type: single nucleotide variant.
Coding change: c.449T>C on transcript NM_153766.3 (MANE Select); coding-DNA position 449, T replaced by C.
Protein change: p.Ile150Thr; replaces isoleucine 150 with threonine.
Molecular consequence: missense variant.
Genome position (GRCh38, 1-based): chr11:128,839,795, A>G on the plus strand (T>C on the coding strand, the complement: KCNJ1 is on the minus strand). VCF-style: chr11-128839795-A-G. GRCh37 (hg19) VCF-style: chr11-128709690-A-G.
Other names: c.506T>C, p.Ile169Thr (NM_000220.6); c.449T>C, p.Ile150Thr (NM_153764.3, NM_153767.4); c.500T>C, p.Ile167Thr (NM_153765.3); short protein forms I167T, I169T, I150T.
Identifiers: ClinVar variation 2228323 (VCV002228323.3), dbSNP rs1943247725, ClinGen allele CA383245033.
Genomic context (GRCh38, chr11:128,839,795, plus strand): 5'-GCACGTTTTTTGGGCCTGGAGATCTTGGCTAAGATGGCCCCACACATGAAAGAATTGATT[A>G]TAACTCCAAGTATAGACTGAAAGATAAGCAGAAAAATGGCAGTGGCACACTGTTCTGTCA-3'
Protein context (NP_722450.1, residues 140-160): LLIFQSILGV[Ile150Thr]INSFMCGAIL